The following is an entry in ClinVar:

NM_006005.3(WFS1):c.1791C>T (p.Ile597=)

Gene: WFS1 (wolframin ER transmembrane glycoprotein; plus strand). Cytogenetic location: 4p16.1.
Variant type: single nucleotide variant.
Coding change: c.1791C>T on transcript NM_006005.3 (MANE Select); coding-DNA position 1791, C replaced by T.
Protein change: p.Ile597=; no amino-acid change (isoleucine 597 retained).
Molecular consequence: synonymous variant.
Genome position (GRCh38, 1-based): chr4:6,301,586, C>T. VCF-style: chr4-6301586-C-T. GRCh37 (hg19) VCF-style: chr4-6303313-C-T.
Other names: c.1791C>T, p.Ile597= (NM_001145853.1).
Identifiers: ClinVar variation 425326 (VCV000425326.57), dbSNP rs141883293, ClinGen allele CA2839492.

ClinVar aggregate classification (germline): Benign/Likely benign. Review status: criteria provided, multiple submitters, no conflicts (2 of 4 stars). 10 submissions from 10 submitters: Benign (1); Likely benign (6). 3 of the submissions do not count toward it. Last evaluated 2025-10-01.

Conditions:
Wolfram syndrome 1 (WFS1). Identifiers: Orphanet 3463, MedGen C4551693, MONDO:0009101, OMIM 222300.
Wolfram-like syndrome. Also called: HEARING LOSS, PROGRESSIVE, WITH OPTIC ATROPHY AND/OR IMPAIRED GLUCOSE REGULATION. Identifiers: Orphanet 411590, MedGen C3280358, MONDO:0013673, OMIM 614296.
Cataract 41 (CTRCT41). Also called: CATARACT 41, CONGENITAL NUCLEAR TYPE. Identifiers: Orphanet 91492, Orphanet 98991, Orphanet 98992, Orphanet 98995, MedGen C3805412, MONDO:0007287, OMIM 116400.
Autosomal dominant nonsyndromic hearing loss 6 (LFSNHL). Also called: Autosomal dominant nonsyndromic deafness 6; DEAFNESS, AUTOSOMAL DOMINANT 6; DEAFNESS, AUTOSOMAL DOMINANT 14; DEAFNESS, AUTOSOMAL DOMINANT 38. Identifiers: Orphanet 90635, MedGen C1833021, MONDO:0010963, OMIM 600965.
Type 2 diabetes mellitus. Also called: Type II diabetes mellitus. Identifiers: MedGen C0011860, MeSH D003924, MONDO:0005148, OMIM 125853, HP:0005978.
WFS1-related disorder. Identifiers: MedGen CN379391, MONDO:0700293.

Allele frequency attached by ClinVar (database versions not stated): gnomAD 0.00006; TOPMed 0.00006; ESP Exome Variant Server 0.00015.
gnomAD v4.1: 54 of 1,614,064 alleles (0.0033%); highest among the groups gnomAD compares: African/African-American, 0.02%; no homozygotes.

Submissions (10):

Labcorp Genetics (formerly Invitae), Labcorp
Classification: Likely benign. Last evaluated: 2025-10-01. Review status: criteria provided, single submitter. Criteria: Invitae Variant Classification Sherloc (09022015). Collection method: clinical testing. Allele origin: germline.

Women's Health and Genetics/Laboratory Corporation of America, LabCorp
Classification: Likely benign. Last evaluated: 2025-05-06. Review status: criteria provided, single submitter. Criteria: LabCorp Variant Classification Summary - May 2015. Collection method: clinical testing. Allele origin: germline.

Fulgent Genetics
Classification: Likely benign for Cataract 41; Type 2 diabetes mellitus; Wolfram syndrome 1; Autosomal dominant nonsyndromic hearing loss 6; Wolfram-like syndrome. Last evaluated: 2021-11-16. Review status: criteria provided, single submitter. Criteria: ACMG Guidelines, 2015. Collection method: clinical testing. Allele origin: unknown.

GeneDx
Classification: Likely benign. Last evaluated: 2021-04-29. Review status: criteria provided, single submitter. Criteria: GeneDx Variant Classification Process June 2021. Collection method: clinical testing. Allele origin: germline. Affected: yes.

Blueprint Genetics
Classification: Likely benign. Last evaluated: 2019-12-04. Review status: criteria provided, single submitter. Criteria: ACMG Guidelines, 2015. Collection method: clinical testing. Allele origin: germline.

CeGaT Center for Human Genetics Tuebingen
Classification: Likely benign. Last evaluated: 2016-09-01. Review status: criteria provided, single submitter. Criteria: CeGaT Center For Human Genetics Tuebingen Variant Classification Criteria Version 2. Collection method: clinical testing. Allele origin: germline. Affected: yes. Observed: 1 variant allele.

Clinical Genomics, Uppaluri K&H Personalized Medicine Clinic
Classification: Benign for Wolfram syndrome 1. Review status: criteria provided, single submitter. Criteria: K & H Uppaluri Personalized Medicine Clinic Variant Classification & Assertion Criteria_Updated V.1. Collection method: research. Allele origin: unknown. Inheritance: Autosomal recessive inheritance.
Comment: Potent mutations in WFS1 gene are associated with Wolfram's syndrome, an autosomal recessive condition, which cause diabetes mellitus, diabetes insipidus, deafness and optic atrophy. However no sufficient evidence is found to ascertain the role of this particular variant rs141883293 in Wolfram's syndrome yet.

PreventionGenetics, part of Exact Sciences
Classification: Likely benign for WFS1-related condition. Last evaluated: 2020-03-19. Review status: no assertion criteria provided. Collection method: clinical testing. Allele origin: germline. Not counted in ClinVar's aggregate classification.
Comment: This variant is classified as likely benign based on ACMG/AMP sequence variant interpretation guidelines (Richards et al. 2015 PMID: 25741868, with internal and published modifications).

Clinical Genetics DNA and cytogenetics Diagnostics Lab, Erasmus MC, Erasmus Medical Center
Classification: Likely benign. Review status: no assertion criteria provided. Collection method: clinical testing. Allele origin: germline. Affected: yes. Study: VKGL Data-share Consensus. Not counted in ClinVar's aggregate classification.

Laboratory of Diagnostic Genome Analysis, Leiden University Medical Center (LUMC)
Classification: Likely benign. Review status: no assertion criteria provided. Collection method: clinical testing. Allele origin: germline. Affected: yes. Study: VKGL Data-share Consensus. Not counted in ClinVar's aggregate classification.

Literature cited by the submitters: PubMed 20738327 (cited by Clinical Genomics, Uppaluri K&H Personalized Medicine Clinic); PubMed 33879153 (cited by Clinical Genomics, Uppaluri K&H Personalized Medicine Clinic); PubMed 12955714 (cited by Clinical Genomics, Uppaluri K&H Personalized Medicine Clinic); PubMed 18060660 (cited by Clinical Genomics, Uppaluri K&H Personalized Medicine Clinic); PubMed 20301750 (cited by Clinical Genomics, Uppaluri K&H Personalized Medicine Clinic); PubMed 17603484 (cited by Clinical Genomics, Uppaluri K&H Personalized Medicine Clinic).